The following is an entry in ClinVar:

NM_198253.3(TERT):c.2199C>G (p.Ile733Met)

Gene: TERT (telomerase reverse transcriptase; minus strand). Cytogenetic location: 5p15.33.
Variant type: single nucleotide variant.
Coding change: c.2199C>G on transcript NM_198253.3 (MANE Select); coding-DNA position 2199, C replaced by G.
Protein change: p.Ile733Met; replaces isoleucine 733 with methionine.
Molecular consequence: missense variant. On other transcripts: non-coding transcript variant (2).
Genome position (GRCh38, 1-based): chr5:1,278,728, G>C on the plus strand (C>G on the coding strand, the complement: TERT is on the minus strand). VCF-style: chr5-1278728-G-C. GRCh37 (hg19) VCF-style: chr5-1278843-G-C.
Other names: c.2199C>G, p.Ile733Met (NM_001193376.3); short protein forms I733M.
Identifiers: ClinVar variation 5038359 (VCV005038359.1).
Genomic context (GRCh38, chr5:1,278,728, plus strand): 5'-CCCATGGGCGGCCTTCTGGACCACGGCATACCGACGCACGCAGTACGTGTTCTGGGGTTT[G>C]ATGATGCTGGCGATGACCTCCGTGAGCCTGTCCTGGGGGATGGTGTCGTACGCGCCCGTC-3'
Protein context (NP_937983.2, residues 723-743): DRLTEVIASI[Ile733Met]KPQNTYCVRR

ClinVar aggregate classification (germline): Uncertain significance (1 of 4 stars; one submission).

Conditions:
Dyskeratosis congenita, autosomal dominant 2. Identifiers: MedGen C3151443, MONDO:0013521, OMIM 613989.

Submission:

St. Jude Molecular Pathology, St. Jude Children's Research Hospital
Classification: Uncertain significance for Dyskeratosis congenita, autosomal dominant 2. Last evaluated: 2026-10-01. Review status: criteria provided, single submitter. Criteria: St. Jude Assertion Criteria 2020. Collection method: clinical testing. Allele origin: germline.
Comment: The TERT c.2199C>G p.(Ile733Met) missense change is absent in gnomAD v2.1.1. The in silico tool REVEL is inconclusive about a pathogenic or benign effect of this variant on protein function, and to our knowledge functional studies have not been performed. To our knowledge, this variant has not been reported in individuals with dyskeratosis congenita. In summary, the evidence currently available is insufficient to determine the clinical significance of this variant. It has therefore been classified as of uncertain significance (VUS-Low).